The following is an entry in ClinVar:

NC_000008.10:g.(?_77895497)_(77896414_?)dup

Gene: PEX2 (peroxisomal biogenesis factor 2; minus strand). Cytogenetic location: 8q21.11.
Variant type: Duplication.
Identifiers: ClinVar variation 1409507 (VCV001409507.4).

ClinVar aggregate classification (germline): Uncertain significance (1 of 4 stars; one submission).

Conditions:
Peroxisome biogenesis disorder 5A (Zellweger) (PBD5A). Identifiers: Orphanet 912, MedGen C3553940, MONDO:0013932, OMIM 614866.

Submission:

Labcorp Genetics (formerly Invitae), Labcorp
Classification: Uncertain significance for Peroxisome biogenesis disorder 5A (Zellweger). Last evaluated: 2022-08-19. Review status: criteria provided, single submitter. Criteria: Invitae Variant Classification Sherloc (09022015). Collection method: clinical testing. Allele origin: germline.
Comment: A copy number gain of the genomic region encompassing the full coding sequence of the PEX2 gene has been identified. The boundaries of this event are unknown as they extend beyond the assayed region for this gene and therefore may encompass additional genes. As the precise location of this event is unknown, it may be in tandem or it may be located elsewhere in the genome. This variant has not been reported in the literature in individuals affected with PEX2-related conditions. Experimental studies and prediction algorithms are not available or were not evaluated, and the functional significance of this variant is currently unknown. In summary, the available evidence is currently insufficient to determine the role of this variant in disease. Therefore, it has been classified as a Variant of Uncertain Significance.